The following is an entry in ClinVar:

ClinVar aggregate classification (germline): Pathogenic. Review status: criteria provided, multiple submitters, no conflicts (2 of 4 stars). 2 submissions from 2 submitters: Pathogenic (2). Last evaluated 2026-05-27.

Conditions:
Colorectal cancer, hereditary nonpolyposis, type 7. Identifiers: Orphanet 144, MedGen C1858380, MONDO:0013725, OMIM 614385.

Submissions (2):

Ambry Genetics
Classification: Pathogenic. Last evaluated: 2026-05-27. Review status: criteria provided, single submitter. Criteria: Ambry Variant Classification Scheme 2023. Collection method: clinical testing. Allele origin: germline.
Comment: The p.Y441* variant (also known as c.1323C>A), located in coding exon 1 of the MLH3 gene, results from a C to A substitution at nucleotide position 1323. This changes the amino acid from a tyrosine to a stop codon within coding exon 1. This variant is considered to be rare based on population cohorts in the Genome Aggregation Database (gnomAD). This alteration is expected to result in loss of function by premature protein truncation or nonsense-mediated mRNA decay. As such, this variant is interpreted as a disease-causing mutation.

Myriad Genetics, Inc.
Classification: Pathogenic for Colorectal cancer, hereditary nonpolyposis, type 7. Last evaluated: 2026-01-27. Review status: criteria provided, single submitter. Criteria: Myriad Autosomal Dominant, Autosomal Recessive and X-Linked Classification Criteria (2023). Collection method: clinical testing. Allele origin: unknown.
Comment: This variant is considered pathogenic. This variant creates a termination codon and is predicted to result in premature protein truncation.

NM_001040108.2(MLH3):c.1323C>A (p.Tyr441Ter)

Gene: MLH3 (mutL homolog 3; minus strand). Cytogenetic location: 14q24.3.
Variant type: single nucleotide variant.
Coding change: c.1323C>A on transcript NM_001040108.2 (MANE Select); coding-DNA position 1323, C replaced by A.
Protein change: p.Tyr441Ter; replaces tyrosine 441 with a stop codon.
Molecular consequence: nonsense.
Genome position (GRCh38, 1-based): chr14:75,048,333, G>T on the plus strand (C>A on the coding strand, the complement: MLH3 is on the minus strand). VCF-style: chr14-75048333-G-T. GRCh37 (hg19) VCF-style: chr14-75515036-G-T.
Other names: c.1323C>A, p.Tyr441Ter (NM_014381.3); short protein forms Y441*.
Identifiers: ClinVar variation 3873469 (VCV003873469.3).